The following is an entry in ClinVar:

NM_024649.5(BBS1):c.11C>T (p.Ala4Val)

Gene: BBS1 (Bardet-Biedl syndrome 1; plus strand). Cytogenetic location: 11q13.2.
Variant type: single nucleotide variant.
Coding change: c.11C>T on transcript NM_024649.5 (MANE Select); coding-DNA position 11, C replaced by T.
Protein change: p.Ala4Val; replaces alanine 4 with valine.
Molecular consequence: missense variant.
Genome position (GRCh38, 1-based): chr11:66,510,670, C>T. VCF-style: chr11-66510670-C-T. GRCh37 (hg19) VCF-style: chr11-66278141-C-T.
Other names: short protein forms A4V.
Identifiers: ClinVar variation 4988591 (VCV004988591.1).

ClinVar aggregate classification (germline): Uncertain significance (1 of 4 stars; one submission).

Conditions:
BBS1-related disorder. Also called: BBS1-related condition.

gnomAD v4.1: 4 of 1,614,150 alleles (0.00025%); highest among the groups gnomAD compares: Middle Eastern, 0.016%; no homozygotes.

Submission:

PreventionGenetics, part of Exact Sciences
Classification: Uncertain significance for BBS1-related condition. Last evaluated: 2026-08-04. Review status: criteria provided, single submitter. Criteria: ACMG Guidelines, 2015. Collection method: clinical testing. Allele origin: germline.
Comment: The BBS1 c.11C>T variant is predicted to result in the amino acid substitution p.Ala4Val. To our knowledge, this variant has not been reported in the literature or in a large population database (gnomAD), indicating this variant is rare. At this time, the clinical significance of this variant is uncertain due to the absence of conclusive functional and genetic evidence.